The following is an entry in ClinVar:

NM_005886.3(KATNB1):c.1108C>T (p.Arg370Cys)

Gene: KATNB1 (katanin regulatory subunit B1; plus strand). Cytogenetic location: 16q21.
Variant type: single nucleotide variant.
Coding change: c.1108C>T on transcript NM_005886.3 (MANE Select); coding-DNA position 1108, C replaced by T.
Protein change: p.Arg370Cys; replaces arginine 370 with cysteine.
Molecular consequence: missense variant.
Genome position (GRCh38, 1-based): chr16:57,753,450, C>T. VCF-style: chr16-57753450-C-T. GRCh37 (hg19) VCF-style: chr16-57787362-C-T.
Other names: short protein forms R370C.
Identifiers: ClinVar variation 1132128 (VCV001132128.13), dbSNP rs139134999, ClinGen allele CA8081029.

ClinVar aggregate classification (germline): Conflicting classifications of pathogenicity. Review status: criteria provided, conflicting classifications (1 of 4 stars). 5 submissions from 5 submitters: Uncertain significance (1); Likely benign (4). Last evaluated 2025-11-28.

Conditions:
KATNB1-related disorder. Also called: KATNB1-related condition.
Inborn genetic diseases. Identifiers: MedGen C0950123, MeSH D030342.

Allele frequency attached by ClinVar (database versions not stated): TOPMed 0.00079; gnomAD 0.00086 and 0.00089; gnomAD exomes 0.00094 and 0.00139; ExAC 0.00098; ESP Exome Variant Server 0.00100.
gnomAD v4.1: 2,122 of 1,612,986 alleles (0.13%); highest among the groups gnomAD compares: Non-Finnish European, 0.17%; 6 homozygotes.

Submissions (5):

Labcorp Genetics (formerly Invitae), Labcorp
Classification: Likely benign. Last evaluated: 2025-11-28. Review status: criteria provided, single submitter. Criteria: Invitae Variant Classification Sherloc (09022015). Collection method: clinical testing. Allele origin: germline.

PreventionGenetics, part of Exact Sciences
Classification: Likely benign for KATNB1-related condition. Last evaluated: 2025-09-05. Review status: criteria provided, single submitter. Criteria: ACMG Guidelines, 2015. Collection method: clinical testing. Allele origin: germline.
Comment: This variant is classified as likely benign based on ACMG/AMP sequence variant interpretation guidelines (Richards et al. 2015 PMID: 25741868, with internal and published modifications).

Blueprint Genetics
Classification: Uncertain significance. Last evaluated: 2024-11-05. Review status: criteria provided, single submitter. Criteria: ACMG Guidelines, 2015. Collection method: clinical testing. Allele origin: germline.

Ambry Genetics
Classification: Likely benign for Inborn genetic diseases. Last evaluated: 2023-06-02. Review status: criteria provided, single submitter. Criteria: Ambry Variant Classification Scheme 2023. Collection method: clinical testing. Allele origin: germline.

GeneDx
Classification: Likely benign. Last evaluated: 2019-04-09. Review status: criteria provided, single submitter. Criteria: GeneDx Variant Classification Process June 2021. Collection method: clinical testing. Allele origin: germline. Affected: yes.